The following is an entry in ClinVar:

ClinVar aggregate classification (germline): Uncertain significance. Review status: criteria provided, multiple submitters, no conflicts (2 of 4 stars). 3 submissions from 3 submitters: Uncertain significance (3). Last evaluated 2024-02-12.

Allele frequency attached by ClinVar (database versions not stated): gnomAD exomes 0.00003; ExAC 0.00004; gnomAD 0.00018 and 0.00019; TOPMed 0.00021.
gnomAD v4.1: 44 of 1,612,352 alleles (0.0027%); highest among the groups gnomAD compares: African/African-American, 0.053%; no homozygotes.

Submissions (3):

GeneDx
Classification: Uncertain significance. Last evaluated: 2024-02-12. Review status: criteria provided, single submitter. Criteria: GeneDx Variant Classification Process June 2021. Collection method: clinical testing. Allele origin: germline. Affected: yes.
Comment: Has not been previously published as pathogenic or benign to our knowledge; In silico analysis supports that this missense variant does not alter protein structure/function

Ambry Genetics
Classification: Uncertain significance. Last evaluated: 2023-08-08. Review status: criteria provided, single submitter. Criteria: Ambry Variant Classification Scheme 2023. Collection method: clinical testing. Allele origin: germline.

Labcorp Genetics (formerly Invitae), Labcorp
Classification: Uncertain significance. Last evaluated: 2021-08-26. Review status: criteria provided, single submitter. Criteria: Invitae Variant Classification Sherloc (09022015). Collection method: clinical testing. Allele origin: germline.
Comment: This sequence change replaces valine with leucine at codon 816 of the LIG1 protein (p.Val816Leu). The valine residue is moderately conserved and there is a small physicochemical difference between valine and leucine. This variant is present in population databases (rs766706558, ExAC 0.03%). This variant has not been reported in the literature in individuals affected with LIG1-related conditions. Algorithms developed to predict the effect of missense changes on protein structure and function output the following: SIFT: "Tolerated"; PolyPhen-2: "Benign"; Align-GVGD: "Class C0". The leucine amino acid residue is found in multiple mammalian species, which suggests that this missense change does not adversely affect protein function. In summary, the available evidence is currently insufficient to determine the role of this variant in disease. Therefore, it has been classified as a Variant of Uncertain Significance.

NM_000234.3(LIG1):c.2446G>C (p.Val816Leu)

Gene: LIG1 (DNA ligase 1; minus strand). Cytogenetic location: 19q13.33.
Variant type: single nucleotide variant.
Coding change: c.2446G>C on transcript NM_000234.3 (MANE Select); coding-DNA position 2446, G replaced by C.
Protein change: p.Val816Leu; replaces valine 816 with leucine.
Molecular consequence: missense variant. On other transcripts: non-coding transcript variant (6).
Genome position (GRCh38, 1-based): chr19:48,117,775, C>G on the plus strand (G>C on the coding strand, the complement: LIG1 is on the minus strand). VCF-style: chr19-48117775-C-G. GRCh37 (hg19) VCF-style: chr19-48621032-C-G.
Other names: c.2353G>C, p.Val785Leu (NM_001289063.2); c.2242G>C, p.Val748Leu (NM_001289064.2); c.2443G>C, p.Val815Leu (NM_001320970.2); c.2356G>C, p.Val786Leu (NM_001320971.2); c.2446G>C (NM_000234.1); short protein forms V785L, V815L, V816L, V748L, V786L.
Identifiers: ClinVar variation 1347628 (VCV001347628.7), dbSNP rs766706558, ClinGen allele CA9546396.